The following is an entry in ClinVar:

NM_000051.4(ATM):c.5155A>G (p.Asn1719Asp)

Gene: ATM (ATM serine/threonine kinase; plus strand). Cytogenetic location: 11q22.3.
Variant type: single nucleotide variant.
Coding change: c.5155A>G on transcript NM_000051.4 (MANE Select); coding-DNA position 5155, A replaced by G.
Protein change: p.Asn1719Asp; replaces asparagine 1719 with aspartic acid.
Molecular consequence: missense variant.
Genome position (GRCh38, 1-based): chr11:108,299,863, A>G. VCF-style: chr11-108299863-A-G. GRCh37 (hg19) VCF-style: chr11-108170590-A-G.
Other names: c.5155A>G, p.Asn1719Asp (NM_001351834.2); short protein forms N1719D.
Identifiers: ClinVar variation 1026678 (VCV001026678.9), dbSNP rs2083336312, ClinGen allele CA382541070.
Genomic context (GRCh38, chr11:108,299,863, plus strand): 5'-GCCCTTAAGTTATTTGAAGATAAAGAACTTCAGTGGACCTTCATAATGCTGACCTACCTG[A>G]ATAACACACTGGTAGAAGATTGGTGAGTATTTATTGATACCTTATATGTAATCTCAATAT-3'
Protein context (NP_000042.3, residues 1709-1729): QWTFIMLTYL[Asn1719Asp]NTLVEDCVKV

ClinVar aggregate classification (germline): Uncertain significance (1 of 4 stars; one submission).

Conditions:
Ataxia-telangiectasia syndrome (AT). Also called: ATAXIA-TELANGIECTASIA, FRESNO VARIANT; Ataxia-telangiectasia, complementation group D; AT, COMPLEMENTATION GROUP C; Cerebello-oculocutaneous telangiectasia; Immunodeficiency with ataxia telangiectasia; Ataxia telangiectasia (A-T). Identifiers: Orphanet 100, MedGen C0004135, MONDO:0008840, OMIM 208900.

Submission:

Labcorp Genetics (formerly Invitae), Labcorp
Classification: Uncertain significance for Ataxia-telangiectasia syndrome. Last evaluated: 2020-01-05. Review status: criteria provided, single submitter. Criteria: Invitae Variant Classification Sherloc (09022015). Collection method: clinical testing. Allele origin: germline.
Comment: This sequence change replaces asparagine with aspartic acid at codon 1719 of the ATM protein (p.Asn1719Asp). The asparagine residue is moderately conserved and there is a small physicochemical difference between asparagine and aspartic acid. This variant is not present in population databases (ExAC no frequency). In summary, the available evidence is currently insufficient to determine the role of this variant in disease. Therefore, it has been classified as a Variant of Uncertain Significance. Algorithms developed to predict the effect of missense changes on protein structure and function (SIFT, PolyPhen-2, Align-GVGD) all suggest that this variant is likely to be tolerated, but these predictions have not been confirmed by published functional studies and their clinical significance is uncertain. This variant has not been reported in the literature in individuals with ATM-related conditions.